The following is an entry in ClinVar:

NM_000400.4(ERCC2):c.769G>A (p.Asp257Asn)

Gene: ERCC2 (ERCC excision repair 2, TFIIH core complex helicase subunit; minus strand). Cytogenetic location: 19q13.32.
Variant type: single nucleotide variant.
Coding change: c.769G>A on transcript NM_000400.4 (MANE Select); coding-DNA position 769, G replaced by A.
Protein change: p.Asp257Asn; replaces aspartic acid 257 with asparagine.
Molecular consequence: missense variant.
Genome position (GRCh38, 1-based): chr19:45,364,281, C>T on the plus strand (G>A on the coding strand, the complement: ERCC2 is on the minus strand). VCF-style: chr19-45364281-C-T. GRCh37 (hg19) VCF-style: chr19-45867539-C-T.
Other names: c.697G>A, p.Asp233Asn (NM_001130867.2); short protein forms D233N, D257N.
Identifiers: ClinVar variation 1760184 (VCV001760184.7), dbSNP rs1305686667, ClinGen allele CA406374147.

ClinVar aggregate classification (germline): Uncertain significance. Review status: criteria provided, multiple submitters, no conflicts (2 of 4 stars). 2 submissions from 2 submitters: Uncertain significance (2). Last evaluated 2022-05-29.

Conditions:
Inborn genetic diseases. Identifiers: MedGen C0950123, MeSH D030342.

Allele frequency attached by ClinVar (database versions not stated): TOPMed below 0.00001; gnomAD 0.00001.

Submissions (2):

Labcorp Genetics (formerly Invitae), Labcorp
Classification: Uncertain significance. Last evaluated: 2022-05-29. Review status: criteria provided, single submitter. Criteria: Invitae Variant Classification Sherloc (09022015). Collection method: clinical testing. Allele origin: germline.
Comment: This sequence change replaces aspartic acid, which is acidic and polar, with asparagine, which is neutral and polar, at codon 257 of the ERCC2 protein (p.Asp257Asn). This variant is present in population databases (no rsID available, gnomAD 0.007%). This variant has not been reported in the literature in individuals affected with ERCC2-related conditions. Algorithms developed to predict the effect of missense changes on protein structure and function (SIFT, PolyPhen-2, Align-GVGD) all suggest that this variant is likely to be tolerated. In summary, the available evidence is currently insufficient to determine the role of this variant in disease. Therefore, it has been classified as a Variant of Uncertain Significance.

Ambry Genetics
Classification: Uncertain significance for Inborn genetic diseases. Last evaluated: 2022-02-12. Review status: criteria provided, single submitter. Criteria: Ambry Variant Classification Scheme 2023. Collection method: clinical testing. Allele origin: germline.
Comment: The p.D257N variant (also known as c.769G>A), located in coding exon 9 of the ERCC2 gene, results from a G to A substitution at nucleotide position 769. The aspartic acid at codon 257 is replaced by asparagine, an amino acid with highly similar properties. This amino acid position is conserved. In addition, this alteration is predicted to be tolerated by in silico analysis. Since supporting evidence is limited at this time, the clinical significance of this alteration remains unclear.